The following is an entry in ClinVar:

NM_002408.4(MGAT2):c.349G>C (p.Glu117Gln)

Gene: MGAT2 (alpha-1,6-mannosyl-glycoprotein 2-beta-N-acetylglucosaminyltransferase; plus strand). Cytogenetic location: 14q21.3.
Variant type: single nucleotide variant.
Coding change: c.349G>C on transcript NM_002408.4 (MANE Select); coding-DNA position 349, G replaced by C.
Protein change: p.Glu117Gln; replaces glutamic acid 117 with glutamine.
Molecular consequence: missense variant.
Genome position (GRCh38, 1-based): chr14:49,621,617, G>C. VCF-style: chr14-49621617-G-C. GRCh37 (hg19) VCF-style: chr14-50088335-G-C.
Other names: short protein forms E117Q.
Identifiers: ClinVar variation 2971678 (VCV002971678.3), dbSNP rs771450465, ClinGen allele CA7172530.

ClinVar aggregate classification (germline): Uncertain significance (1 of 4 stars; one submission).

Conditions:
MGAT2-congenital disorder of glycosylation. Also called: Congenital disorder of glycosylation, type IIa; MENTAL RETARDATION, GROWTH RETARDATION, PROMINENT COLUMELLA, AND OPEN MOUTH; Alkuraya syndrome; MGAT2-CDG; CDG IIa. Identifiers: Orphanet 79329, MedGen C2931008, MONDO:0008908, OMIM 212066.

Allele frequency attached by ClinVar (database versions not stated): ExAC 0.00001; gnomAD 0.00001; TOPMed 0.00001.
gnomAD v4.1: 5 of 1,614,004 alleles (0.00031%); highest among the groups gnomAD compares: South Asian, 0.0033%; no homozygotes.

Submission:

Labcorp Genetics (formerly Invitae), Labcorp
Classification: Uncertain significance for MGAT2-congenital disorder of glycosylation. Last evaluated: 2025-10-01. Review status: criteria provided, single submitter. Criteria: Invitae Variant Classification Sherloc (09022015). Collection method: clinical testing. Allele origin: germline.
Comment: This sequence change replaces glutamic acid, which is acidic and polar, with glutamine, which is neutral and polar, at codon 117 of the MGAT2 protein (p.Glu117Gln). This variant is present in population databases (rs771450465, gnomAD 0.003%). This variant has not been reported in the literature in individuals affected with MGAT2-related conditions. ClinVar contains an entry for this variant (Variation ID: 2971678). Invitae Evidence Modeling of protein sequence and biophysical properties (such as structural, functional, and spatial information, amino acid conservation, physicochemical variation, residue mobility, and thermodynamic stability) indicates that this missense variant is not expected to disrupt MGAT2 protein function with a negative predictive value of 80%. In summary, the available evidence is currently insufficient to determine the role of this variant in disease. Therefore, it has been classified as a Variant of Uncertain Significance.